The following is an entry in ClinVar:

NM_001375462.1(LPP):c.735C>G (p.Gly245=)

Gene: LPP (LIM domain containing preferred translocation partner in lipoma; plus strand). Cytogenetic location: 3q28.
Variant type: single nucleotide variant.
Coding change: c.735C>G on transcript NM_001375462.1 (MANE Select); coding-DNA position 735, C replaced by G.
Protein change: p.Gly245=; no amino-acid change (glycine 245 retained).
Molecular consequence: synonymous variant. On other transcripts: non-coding transcript variant (1), intron variant (1).
Genome position (GRCh38, 1-based): chr3:188,609,466, C>G. VCF-style: chr3-188609466-C-G. GRCh37 (hg19) VCF-style: chr3-188327254-C-G.
Other names: c.735C>G, p.Gly245= (NM_001167671.3, NM_001375455.1, NM_001375456.1 and 28 more transcripts); c.246C>G, p.Gly82= (NM_001387675.1, NM_001387676.1); c.672+63C>G (NM_001167672.3).
Identifiers: ClinVar variation 3350662 (VCV003350662.1).
Genomic context (GRCh38, chr3:188,609,466, plus strand): 5'-GAAGTCAGCCCAGCCCAGCCCTCATTATATGGCTGCCCCTTCATCAGGACAAATTTATGG[C>G]TCAGGGCCCCAGGGCTATAACACTCAGCCAGTTCCTGTCTCTGGGCAGTGTCCACCTCCT-3'
Protein context (NP_001362391.1, residues 235-255): MAAPSSGQIY[Gly245=]SGPQGYNTQP

ClinVar aggregate classification (germline): Likely benign (0 of 4 stars; one submission).

Conditions:
LPP-related disorder. Also called: LPP-related condition.

gnomAD v4.1: 14 of 1,614,086 alleles (0.00087%); highest among the groups gnomAD compares: Non-Finnish European, 0.0012%; no homozygotes.

Submission:

PreventionGenetics, part of Exact Sciences
Classification: Likely benign for LPP-related condition. Last evaluated: 2024-06-09. Review status: no assertion criteria provided. Collection method: clinical testing. Allele origin: germline.
Comment: This variant is classified as likely benign based on ACMG/AMP sequence variant interpretation guidelines (Richards et al. 2015 PMID: 25741868, with internal and published modifications).